The following is an entry in ClinVar:

NM_014915.3(ANKRD26):c.88C>A (p.Pro30Thr)

Genes: ANKRD26 (ankyrin repeat domain containing 26; minus strand), LOC130003554 (ATAC-STARR-seq lymphoblastoid silent region 2243; plus strand). Cytogenetic location: 10p12.1.
Variant type: single nucleotide variant.
Coding change: c.88C>A on transcript NM_014915.3 (MANE Select); coding-DNA position 88, C replaced by A.
Protein change: p.Pro30Thr; replaces proline 30 with threonine.
Molecular consequence: missense variant.
Genome position (GRCh38, 1-based): chr10:27,100,239, G>T on the plus strand (C>A on the coding strand, the complement: ANKRD26 is on the minus strand). VCF-style: chr10-27100239-G-T. GRCh37 (hg19) VCF-style: chr10-27389168-G-T.
Other names: c.88C>A, p.Pro30Thr (NM_001256053.2); short protein forms P30T.
Identifiers: ClinVar variation 3912977 (VCV003912977.1).

ClinVar aggregate classification (germline): Uncertain significance (1 of 4 stars; one submission).

Conditions:
Inborn genetic diseases. Identifiers: MedGen C0950123, MeSH D030342.

Submission:

Ambry Genetics
Classification: Uncertain significance for Inborn genetic diseases. Last evaluated: 2025-03-18. Review status: criteria provided, single submitter. Criteria: Ambry Variant Classification Scheme 2023. Collection method: clinical testing. Allele origin: germline.
Comment: The p.P30T variant (also known as c.88C>A), located in coding exon 1 of the ANKRD26 gene, results from a C to A substitution at nucleotide position 88. The proline at codon 30 is replaced by threonine, an amino acid with highly similar properties. This amino acid position is conserved. In addition, this alteration is predicted to be tolerated by in silico analysis. Based on the available evidence, the clinical significance of this variant remains unclear.